The following is an entry in ClinVar:

ClinVar aggregate classification (germline): Benign (1 of 4 stars; one submission).

Allele frequency attached by ClinVar (database versions not stated): gnomAD exomes 0.44651 and 0.50472; ExAC 0.49998; gnomAD 0.53793 and 0.53806; TOPMed 0.55845; 1000 Genomes Project 0.58327; 1000 Genomes Project 30x 0.58682.
gnomAD v4.1: 734,886 of 1,609,398 alleles (46%); highest among the groups gnomAD compares: African/African-American, 70%; 177,281 homozygotes.

Submission:

Laboratory for Molecular Medicine, Mass General Brigham Personalized Medicine
Classification: Benign. Last evaluated: 2016-03-28. Review status: criteria provided, single submitter. Criteria: LMM Criteria. Collection method: clinical testing. Allele origin: germline.
Comment: Variant identified in a genome or exome case(s) and assessed due to predicted null impact of the variant or pathogenic assertions in the literature or databases. Disclaimer: This variant has not undergone full assessment. The following are preliminary notes: Frequency

NM_001177519.3(MICA):c.821G>A (p.Arg274Gln)

Gene: MICA (MHC class I polypeptide-related sequence A; plus strand). Cytogenetic location: 6p21.33.
Variant type: single nucleotide variant.
Coding change: c.821G>A on transcript NM_001177519.3 (MANE Select); coding-DNA position 821, G replaced by A.
Protein change: p.Arg274Gln; replaces arginine 274 with glutamine.
Molecular consequence: missense variant. On other transcripts: no sequence alteration (1).
Genome position (GRCh38, 1-based): chr6:31,412,154, G>A. VCF-style: chr6-31412154-G-A. GRCh37 (hg19) VCF-style: chr6-31379931-G-A.
Other names: c.821=, p.Gln274= (NM_000247.3); c.530G>A, p.Arg177Gln (NM_001289152.2, NM_001289153.2); c.407G>A, p.Arg136Gln (NM_001289154.2); short protein forms R274Q, R136Q, R177Q.
Identifiers: ClinVar variation 403085 (VCV000403085.4), dbSNP rs1063635, ClinGen allele CA3712243.